The following is an entry in ClinVar:

NM_005559.4(LAMA1):c.7779-2A>G

Genes: LAMA1 (laminin subunit alpha 1; minus strand), LOC126862685 (BRD4-independent group 4 enhancer GRCh37_chr18:6958646-6959845; plus strand). Cytogenetic location: 18p11.31.
Variant type: single nucleotide variant.
Coding change: c.7779-2A>G on transcript NM_005559.4 (MANE Select); the canonical splice acceptor site of the intron before coding-DNA position 7779, A replaced by G.
Molecular consequence: splice acceptor variant.
Genome position (GRCh38, 1-based): chr18:6,958,664, T>C on the plus strand (A>G on the coding strand, the complement: LAMA1 is on the minus strand). VCF-style: chr18-6958664-T-C. GRCh37 (hg19) VCF-style: chr18-6958663-T-C.
Identifiers: ClinVar variation 4291742 (VCV004291742.1).

ClinVar aggregate classification (germline): Likely pathogenic (1 of 4 stars; one submission).

Conditions:
Ataxia - intellectual disability - oculomotor apraxia - cerebellar cysts syndrome. Also called: Poretti-Boltshauser syndrome. Identifiers: Orphanet 370022, MedGen C4014821, MONDO:0014419, OMIM 615960.

gnomAD v4.1: 6 of 1,611,040 alleles (0.00037%); highest among the groups gnomAD compares: African/African-American, 0.008%; no homozygotes.

Submission:

3billion
Classification: Likely pathogenic for Ataxia - intellectual disability - oculomotor apraxia - cerebellar cysts syndrome. Last evaluated: 2024-12-03. Review status: criteria provided, single submitter. Criteria: ACMG Guidelines, 2015. Collection method: clinical testing. Allele origin: germline. Affected: yes.
Comment: The variant is observed at an extremely low frequency in the gnomAD v4.1.0 dataset (total allele frequency: <0.001%). Predicted Consequence/Location: Canonical splice site: predicted to alter splicing and result in a loss or disruption of normal protein function. Multiple pathogenic loss-of-function variants are reported downstream of the variant. In silico tools predict the variant to alter splicing and produce an abnormal transcript [SpliceAI: 0.99 (spliceogenicity >=0.2, non-spliceogenicity <0.1)]. Therefore, this variant is classified as Likely pathogenic according to the recommendation of ACMG/AMP guideline.